The following is an entry in ClinVar:

NM_198525.3(KIF7):c.682C>T (p.Arg228Trp)

Gene: KIF7 (kinesin family member 7; minus strand). Cytogenetic location: 15q26.1.
Variant type: single nucleotide variant.
Coding change: c.682C>T on transcript NM_198525.3 (MANE Select); coding-DNA position 682, C replaced by T.
Protein change: p.Arg228Trp; replaces arginine 228 with tryptophan.
Molecular consequence: missense variant.
Genome position (GRCh38, 1-based): chr15:89,649,215, G>A on the plus strand (C>T on the coding strand, the complement: KIF7 is on the minus strand). VCF-style: chr15-89649215-G-A. GRCh37 (hg19) VCF-style: chr15-90192446-G-A.
Other names: short protein forms R228W.
Identifiers: ClinVar variation 2149241 (VCV002149241.2), dbSNP rs1028164219, ClinGen allele CA274582859.
Genomic context (GRCh38, chr15:89,649,215, plus strand): 5'-ACTTGGAGACGAGCAGCTGGCCCGGGGCGGGGCGGGGTAGGCGGCTGGGGGCGCGCCCCC[G>A]CTGCTCCAGGGTCACGGTGAAGACCGTGTGTGAGCGGCTAGACAGGTGGTTGAGGTGCGT-3'
Protein context (NP_940927.2, residues 218-238): HTVFTVTLEQ[Arg228Trp]GRAPSRLPRP

ClinVar aggregate classification (germline): Uncertain significance (1 of 4 stars; one submission).

Conditions:
Acrocallosal syndrome (ACLS). Also called: HALLUX DUPLICATION, POSTAXIAL POLYDACTYLY, AND ABSENCE OF CORPUS CALLOSUM; Schinzel syndrome 1; Absence of corpus callosum with unusual facial appearance, mental deficiency, duplication of the halluces and polydactyly. Identifiers: Orphanet 36, MedGen C0796147, MONDO:0008708, OMIM 200990.

Allele frequency attached by ClinVar (database versions not stated): gnomAD exomes below 0.00001; gnomAD 0.00001; TOPMed 0.00001.
gnomAD v4.1: 8 of 1,546,042 alleles (0.00052%); highest among the groups gnomAD compares: African/African-American, 0.0027%; no homozygotes.

Submission:

Labcorp Genetics (formerly Invitae), Labcorp
Classification: Uncertain significance for Acrocallosal syndrome. Last evaluated: 2022-01-15. Review status: criteria provided, single submitter. Criteria: Invitae Variant Classification Sherloc (09022015). Collection method: clinical testing. Allele origin: germline.
Comment: In summary, the available evidence is currently insufficient to determine the role of this variant in disease. Therefore, it has been classified as a Variant of Uncertain Significance. Algorithms developed to predict the effect of missense changes on protein structure and function are either unavailable or do not agree on the potential impact of this missense change (SIFT: "Deleterious"; PolyPhen-2: "Benign"; Align-GVGD: "Class C0"). This variant has not been reported in the literature in individuals affected with KIF7-related conditions. The frequency data for this variant in the population databases is considered unreliable, as metrics indicate poor data quality at this position in the gnomAD database. This sequence change replaces arginine, which is basic and polar, with tryptophan, which is neutral and slightly polar, at codon 228 of the KIF7 protein (p.Arg228Trp).